The following is an entry in ClinVar:

ClinVar aggregate classification (germline): Uncertain significance (1 of 4 stars; one submission).

Conditions:
Retinoblastoma (RB1). Also called: RETINOBLASTOMA, SOMATIC. Identifiers: Orphanet 790, MedGen C0035335, MeSH D012175, MONDO:0008380, OMIM 180200, HP:0009919. Disease mechanism: loss of function. Inheritance: Both sporadic and heritable forms are tested..

Submission:

Labcorp Genetics (formerly Invitae), Labcorp
Classification: Uncertain significance for Retinoblastoma. Last evaluated: 2020-11-17. Review status: criteria provided, single submitter. Criteria: Invitae Variant Classification Sherloc (09022015). Collection method: clinical testing. Allele origin: germline.
Comment: This sequence change replaces threonine with alanine at codon 774 of the RB1 protein (p.Thr774Ala). The threonine residue is moderately conserved and there is a small physicochemical difference between threonine and alanine. This variant is not present in population databases (ExAC no frequency). This variant has not been reported in the literature in individuals with RB1-related conditions. Algorithms developed to predict the effect of missense changes on protein structure and function (SIFT, PolyPhen-2, Align-GVGD) all suggest that this variant is likely to be tolerated, but these predictions have not been confirmed by published functional studies and their clinical significance is uncertain. In summary, the available evidence is currently insufficient to determine the role of this variant in disease. Therefore, it has been classified as a Variant of Uncertain Significance.

NM_000321.3(RB1):c.2320A>G (p.Thr774Ala)

Gene: RB1 (RB transcriptional corepressor 1; plus strand). Cytogenetic location: 13q14.2.
Variant type: single nucleotide variant.
Coding change: c.2320A>G on transcript NM_000321.3 (MANE Select); coding-DNA position 2320, A replaced by G.
Protein change: p.Thr774Ala; replaces threonine 774 with alanine.
Molecular consequence: missense variant.
Genome position (GRCh38, 1-based): chr13:48,465,106, A>G. VCF-style: chr13-48465106-A-G. GRCh37 (hg19) VCF-style: chr13-49039242-A-G.
Other names: short protein forms T774A.
Identifiers: ClinVar variation 1515255 (VCV001515255.8), dbSNP rs2138345047, ClinGen allele CA388167725.